The following is an entry in ClinVar:

ClinVar aggregate classification (germline): Pathogenic/Likely pathogenic. Review status: criteria provided, multiple submitters, no conflicts (2 of 4 stars). 4 submissions from 4 submitters: Pathogenic (2); Likely pathogenic (2). Last evaluated 2024-05-24.

Conditions:
Spastic paraplegia. Identifiers: MedGen C0037772, HP:0001258.
Charlevoix-Saguenay spastic ataxia (SACS). Also called: AUTOSOMAL RECESSIVE SPASTIC ATAXIA OF CHARLEVOIX-SAGUENAY; SPASTIC ATAXIA 6, AUTOSOMAL RECESSIVE; Spastic ataxia of Charlevoix-Saguenay. Identifiers: Orphanet 98, MedGen C1849140, MONDO:0010041, OMIM 270550.

Submissions (4):

Fulgent Genetics
Classification: Likely pathogenic for Charlevoix-Saguenay spastic ataxia. Last evaluated: 2024-05-24. Review status: criteria provided, single submitter. Criteria: ACMG Guidelines, 2015. Collection method: clinical testing. Allele origin: germline.

Natera, Inc.
Classification: Likely pathogenic for Charlevoix-Saguenay type spastic ataxia. Last evaluated: 2024-04-17. Review status: criteria provided, single submitter. Criteria: Natera Variant Classification Schema (03/2026). Collection method: clinical testing. Allele origin: germline.
Comment: The c.5151delA variant in SACS is a frameshift variant predicted to shift the reading frame beginning at codon 1717 and leads to a stop codon 8 codons downstream. This variant is expected to result in nonsense mediated decay, truncation, or a dysfunctional protein product. This variant is rare in the general population with a frequency below the threshold expected for the associated phenotype(s). This variant has been observed in one or more individuals affected with the associated recessive disease, as either homozygous or compound heterozygous with a second variant (PMID: 26288984). Given the available evidence, this variant is classified as Likely Pathogenic.

Neuberg Centre For Genomic Medicine, NCGM
Classification: Pathogenic for Charlevoix-Saguenay spastic ataxia. Last evaluated: 2023-06-22. Review status: criteria provided, single submitter. Criteria: ACMG Guidelines, 2015. Collection method: clinical testing. Allele origin: germline. Inheritance: Autosomal recessive inheritance. Affected: yes.
Comment: The frameshift c.5151del(p.Lys1717AsnfsTer8) variant in SACS gene has been reported previously in individual(s) affected with autosomal recessive spastic ataxia of Charlevoix-Saguenay type or Hirschsprung disease (Zhang Z, et al., 2017; Pilliod J, et al., 2015). The p.Lys1717AsnfsTer8 variant is present with allele frequency of 0.005% in gnomAD Exomes. This variant has been submitted to the ClinVar database as Pathogenic. This variant causes a frameshift starting with codon Lysine 1717, changes this amino acid to Asparagine residue, and creates a premature Stop codon at position 8 of the new reading frame, denoted p.Lys1717AsnfsTer8. This variant is predicted to cause loss of normal protein function through protein truncation. Loss of function variants have been previously reported to be disease causing. For these reasons, this variant has been classified as Pathogenic.

Labcorp Genetics (formerly Invitae), Labcorp
Classification: Pathogenic for Spastic paraplegia. Last evaluated: 2023-04-12. Review status: criteria provided, single submitter. Criteria: Invitae Variant Classification Sherloc (09022015). Collection method: clinical testing. Allele origin: germline.
Comment: ClinVar contains an entry for this variant (Variation ID: 945951). This variant disrupts a region of the SACS protein in which other variant(s) (p.3903*, p.Lys2931Asnfs*22, p.Ile2949Phefs*4) have been determined to be pathogenic (PMID: 10655055, 11788093, 15486997, 19892370, 21745802). This suggests that this is a clinically significant region of the protein, and that variants that disrupt it are likely to be disease-causing. For these reasons, this variant has been classified as Pathogenic. This sequence change creates a premature translational stop signal (p.Lys1717Asnfs*8) in the SACS gene. While this is not anticipated to result in nonsense mediated decay, it is expected to disrupt the last 2863 amino acid(s) of the SACS protein. The frequency data for this variant in the population databases is considered unreliable, as metrics indicate poor data quality at this position in the gnomAD database. This premature translational stop signal has been observed in individual(s) with autosomal recessive spastic ataxia of Charlevoix–Saguenay or Hirschsprung disease (PMID: 26288984, 29093530). This variant is also known as c.4710delA.

Literature cited by the submitters: PubMed 26288984 (cited by Natera, Inc. and Labcorp Genetics (formerly Invitae), Labcorp); PubMed 10655055 (cited by Labcorp Genetics (formerly Invitae), Labcorp); PubMed 11788093 (cited by Labcorp Genetics (formerly Invitae), Labcorp); PubMed 15486997 (cited by Labcorp Genetics (formerly Invitae), Labcorp); PubMed 19892370 (cited by Labcorp Genetics (formerly Invitae), Labcorp); PubMed 21745802 (cited by Labcorp Genetics (formerly Invitae), Labcorp); PubMed 29093530 (cited by Labcorp Genetics (formerly Invitae), Labcorp).

NM_014363.6(SACS):c.5151del (p.Lys1717fs)

Gene: SACS (sacsin molecular chaperone; minus strand). Cytogenetic location: 13q12.12.
Variant type: Deletion.
Coding change: c.5151del on transcript NM_014363.6 (MANE Select); coding-DNA position 5151, one base deleted (A; older notation c.5151delA).
Protein change: p.Lys1717fs; shifts the reading frame from lysine 1717.
Molecular consequence: frameshift variant.
Genome position (GRCh38, 1-based): chr13:23,338,725, T deleted on the plus strand (A on the coding strand, the reverse complement: SACS is on the minus strand); the first of 9 consecutive T bases (chr13:23,338,725-23,338,733); deleting any one gives the same sequence. VCF-style (leftmost placement, unchanged base first): chr13-23338724-AT-A. GRCh37 (hg19) VCF-style: chr13-23912863-AT-A.
Other names: c.4710del, p.Lys1570fs (NM_001278055.2); c.5151delA (NM_014363.5); short protein forms K1717fs, K1570fs.
Identifiers: ClinVar variation 945951 (VCV000945951.11), dbSNP rs754439135, ClinGen allele CA6911290.